The following is an entry in ClinVar:

NM_004667.6(HERC2):c.3321C>T (p.Ala1107=)

Gene: HERC2 (HECT and RLD domain containing E3 ubiquitin protein ligase 2; minus strand). Cytogenetic location: 15q13.1.
Variant type: single nucleotide variant.
Coding change: c.3321C>T on transcript NM_004667.6 (MANE Select); coding-DNA position 3321, C replaced by T.
Protein change: p.Ala1107=; no amino-acid change (alanine 1107 retained).
Molecular consequence: synonymous variant.
Genome position (GRCh38, 1-based): chr15:28,246,812, G>A on the plus strand (C>T on the coding strand, the complement: HERC2 is on the minus strand). VCF-style: chr15-28246812-G-A. GRCh37 (hg19) VCF-style: chr15-28491958-G-A.
Identifiers: ClinVar variation 3035060 (VCV003035060.2), dbSNP rs145261792, ClinGen allele CA7442932.

ClinVar aggregate classification (germline): Likely benign (0 of 4 stars; one submission).

Conditions:
HERC2-related disorder. Also called: HERC2-related condition.

Allele frequency attached by ClinVar (database versions not stated): gnomAD exomes 0.00007; 1000 Genomes Project 30x 0.00016; ExAC 0.00018; 1000 Genomes Project 0.00020; gnomAD 0.00036; TOPMed 0.00042; ESP Exome Variant Server 0.00054.
gnomAD v4.1: 162 of 1,610,138 alleles (0.01%); highest among the groups gnomAD compares: African/African-American, 0.11%; 1 homozygote.

Submission:

PreventionGenetics, part of Exact Sciences
Classification: Likely benign for HERC2-related condition. Last evaluated: 2019-12-31. Review status: no assertion criteria provided. Collection method: clinical testing. Allele origin: germline.
Comment: This variant is classified as likely benign based on ACMG/AMP sequence variant interpretation guidelines (Richards et al. 2015 PMID: 25741868, with internal and published modifications).